The following is an entry in ClinVar:

NM_017849.4(TMEM127):c.371A>G (p.Lys124Arg)

Gene: TMEM127 (transmembrane protein 127; minus strand). Cytogenetic location: 2q11.2.
Variant type: single nucleotide variant.
Coding change: c.371A>G on transcript NM_017849.4 (MANE Select); coding-DNA position 371, A replaced by G.
Protein change: p.Lys124Arg; replaces lysine 124 with arginine.
Molecular consequence: missense variant.
Genome position (GRCh38, 1-based): chr2:96,254,871, T>C on the plus strand (A>G on the coding strand, the complement: TMEM127 is on the minus strand). VCF-style: chr2-96254871-T-C. GRCh37 (hg19) VCF-style: chr2-96920609-T-C.
Other names: c.371A>G, p.Lys124Arg (NM_001193304.3); short protein forms K124R.
Identifiers: ClinVar variation 486545 (VCV000486545.11), dbSNP rs377430566, ClinGen allele CA52412951.

ClinVar aggregate classification (germline): Uncertain significance. Review status: criteria provided, multiple submitters, no conflicts (2 of 4 stars). 2 submissions from 2 submitters: Uncertain significance (2). Last evaluated 2023-03-30.

Conditions:
Hereditary cancer-predisposing syndrome. Also called: Neoplastic Syndromes, Hereditary; Hereditary neoplastic syndrome; Tumor predisposition; Hereditary Cancer Syndrome. Identifiers: Orphanet 140162, MedGen C0027672, MeSH D009386, MONDO:0015356.
Hereditary pheochromocytoma and paraganglioma. Also called: Hereditary Paraganglioma-Pheochromocytoma Syndromes; Hereditary paragangliomas and pheochromocytomas; Hereditary pheochromocytoma-paraganglioma. Identifiers: Orphanet 29072, MedGen C4274332, MONDO:0017366.

Allele frequency attached by ClinVar (database versions not stated): TOPMed 0.00001; ESP Exome Variant Server 0.00008.

Submissions (2):

Ambry Genetics
Classification: Uncertain significance for Hereditary cancer-predisposing syndrome. Last evaluated: 2023-03-30. Review status: criteria provided, single submitter. Criteria: Ambry Variant Classification Scheme 2023. Collection method: clinical testing. Allele origin: germline.
Comment: The p.K124R variant (also known as c.371A>G), located in coding exon 2 of the TMEM127 gene, results from an A to G substitution at nucleotide position 371. The lysine at codon 124 is replaced by arginine, an amino acid with highly similar properties. This amino acid position is highly conserved in available vertebrate species. In addition, the in silico prediction for this alteration is inconclusive. Since supporting evidence is limited at this time, the clinical significance of this alteration remains unclear.

Labcorp Genetics (formerly Invitae), Labcorp
Classification: Uncertain significance for Hereditary pheochromocytoma and paraganglioma. Last evaluated: 2021-11-29. Review status: criteria provided, single submitter. Criteria: Invitae Variant Classification Sherloc (09022015). Collection method: clinical testing. Allele origin: germline.
Comment: This sequence change replaces lysine, which is basic and polar, with arginine, which is basic and polar, at codon 124 of the TMEM127 protein (p.Lys124Arg). This variant is not present in population databases (gnomAD no frequency). This variant has not been reported in the literature in individuals affected with TMEM127-related conditions. ClinVar contains an entry for this variant (Variation ID: 486545). Algorithms developed to predict the effect of missense changes on protein structure and function (SIFT, PolyPhen-2, Align-GVGD) all suggest that this variant is likely to be disruptive. In summary, the available evidence is currently insufficient to determine the role of this variant in disease. Therefore, it has been classified as a Variant of Uncertain Significance.